The following is an entry in ClinVar:

ClinVar aggregate classification (germline): Pathogenic/Likely pathogenic. Review status: criteria provided, multiple submitters, no conflicts (2 of 4 stars). 2 submissions from 2 submitters: Pathogenic (1); Likely pathogenic (1). Last evaluated 2023-07-17.

Conditions:
MTM1-related disorder. Also called: MTM1-related condition.
Severe X-linked myotubular myopathy (CNMX). Also called: MYOTUBULAR MYOPATHY 1; X-linked centronuclear myopathy; Myotubular myopathy, X-linked. Identifiers: Orphanet 596, MedGen C0410203, MONDO:0010683, OMIM 310400.

Submissions (2):

Victorian Clinical Genetics Services, Murdoch Childrens Research Institute
Classification: Pathogenic for Severe X-linked myotubular myopathy. Last evaluated: 2023-07-17. Review status: criteria provided, single submitter. Criteria: ACMG Guidelines, 2015. Collection method: clinical testing. Allele origin: germline. Inheritance: X-linked recessive inheritance.
Comment: Based on the classification scheme VCGS_Germline_v1.3.4, this variant is classified as Pathogenic. Following criteria are met: 0102 - Loss of function is a known mechanism of disease in this gene and is associated with X-linked centronuclear myopathy (MIM#310400). (I) 0109 - This gene is associated with X-linked recessive disease; however, manifesting female carriers of pathogenic variants who present with a range of clinical severity and skewed X-inactivation are increasingly being reported (GeneReviews, PMID: 28685322). (I) 0115 - Variants in this gene are known to have variable expressivity. Female carriers of pathogenic variants have been reported with a range of clinical severity, ranging from severe neonatal and generalized weakness, to milder adult forms (PMID: 28685322). (I) 0201 - Variant is predicted to cause nonsense-mediated decay (NMD) and loss of protein (premature termination codon is located at least 54 nucleotides upstream of the final exon-exon junction). (SP) 0253 - This variant is hemizygous. (I) 0301 - Variant is absent from gnomAD (both v2 and v3). (SP) 0701 - Other null variants comparable to the one identified in this case have very strong previous evidence for pathogenicity. There are at least ten previously reported likely pathogenic or pathogenic NMD-predicted variants (ClinVar, DECIPHER). (SP) 0807 - This variant has no previous evidence of pathogenicity. (I) 0905 - No published segregation evidence has been identified for this variant. (I) 1007 - No published functional evidence has been identified for this variant. (I) Legend: (SP) - Supporting pathogenic, (I) - Information, (SB) - Supporting benign

Blueprint Genetics
Classification: Likely pathogenic for MTM1-related disorders. Last evaluated: 2020-04-07. Review status: criteria provided, single submitter. Criteria: ACMG Guidelines, 2015. Collection method: clinical testing. Allele origin: germline. Affected: yes. Observed: 1 variant allele.

Literature cited by the submitters: PubMed 28685322 (cited by Victorian Clinical Genetics Services, Murdoch Childrens Research Institute).

NM_000252.3(MTM1):c.153C>A (p.Tyr51Ter)

Gene: MTM1 (myotubularin 1; plus strand). Cytogenetic location: Xq28.
Variant type: single nucleotide variant.
Coding change: c.153C>A on transcript NM_000252.3 (MANE Select); coding-DNA position 153, C replaced by A.
Protein change: p.Tyr51Ter; replaces tyrosine 51 with a stop codon.
Molecular consequence: nonsense.
Genome position (GRCh38, 1-based): chrX:150,598,608, C>A. VCF-style: chrX-150598608-C-A. GRCh37 (hg19) VCF-style: chrX-149767072-C-A.
Other names: c.153C>A, p.Tyr51Ter (NM_001376906.1, NM_001376907.1, NM_001376908.1); short protein forms Y51*.
Identifiers: ClinVar variation 1699179 (VCV001699179.5), dbSNP rs2148434034, ClinGen allele CA415251222.